The following is an entry in ClinVar:

ClinVar aggregate classification (germline): Uncertain significance (1 of 4 stars; one submission).

Conditions:
Cerebral creatine deficiency syndrome. Also called: Creatine deficiency syndromes. Identifiers: Orphanet 79172, MedGen C5244016, MONDO:0000456.

Submission:

Labcorp Genetics (formerly Invitae), Labcorp
Classification: Uncertain significance for Cerebral creatine deficiency syndrome. Last evaluated: 2019-03-08. Review status: criteria provided, single submitter. Criteria: Invitae Variant Classification Sherloc (09022015). Collection method: clinical testing. Allele origin: germline.
Comment: This sequence change affects codon 61 of the GAMT mRNA. It is a 'silent' change, meaning that it does not change the encoded amino acid sequence of the GAMT protein. This variant is not present in population databases (ExAC no frequency). This variant has not been reported in the literature in individuals with GAMT-related conditions. Algorithms developed to predict the effect of sequence changes on RNA splicing suggest that this variant may create or strengthen a splice site, but this prediction has not been confirmed by published transcriptional studies. In summary, the available evidence is currently insufficient to determine the role of this variant in disease. Therefore, it has been classified as a Variant of Uncertain Significance.

NM_000156.6(GAMT):c.183G>T (p.Gly61=)

Gene: GAMT (guanidinoacetate N-methyltransferase; minus strand). Cytogenetic location: 19p13.3.
Variant type: single nucleotide variant.
Coding change: c.183G>T on transcript NM_000156.6 (MANE Select); coding-DNA position 183, G replaced by T.
Protein change: p.Gly61=; no amino-acid change (glycine 61 retained).
Molecular consequence: synonymous variant.
Genome position (GRCh38, 1-based): chr19:1,399,937, C>A on the plus strand (G>T on the coding strand, the complement: GAMT is on the minus strand). VCF-style: chr19-1399937-C-A. GRCh37 (hg19) VCF-style: chr19-1399936-C-A.
Other names: c.183G>T, p.Gly61= (NM_138924.3).
Identifiers: ClinVar variation 846542 (VCV000846542.1), dbSNP rs2082624249, ClinGen allele CA504730548.